The following is an entry in ClinVar:

ClinVar aggregate classification (germline): Uncertain significance (1 of 4 stars; one submission).

Allele frequency attached by ClinVar (database versions not stated): gnomAD exomes below 0.00001.
gnomAD v4.1: 1 of 1,223,644 alleles (0.000082%); highest among the groups gnomAD compares: Non-Finnish European, 0.0001%; no homozygotes.

Submission:

GeneDx
Classification: Uncertain significance. Last evaluated: 2023-04-12. Review status: criteria provided, single submitter. Criteria: GeneDx Variant Classification Process June 2021. Collection method: clinical testing. Allele origin: germline. Affected: yes.
Comment: Not observed at significant frequency in large population cohorts (gnomAD); In silico analysis suggests this variant may impact gene splicing. In the absence of RNA/functional studies, the actual effect of this sequence change is unknown.; Has not been previously published as pathogenic or benign to our knowledge

NM_001374828.1(ARID1B):c.1380C>T (p.Gly460=)

Gene: ARID1B (AT-rich interaction domain 1B; plus strand). Cytogenetic location: 6q25.3.
Variant type: single nucleotide variant.
Coding change: c.1380C>T on transcript NM_001374828.1 (MANE Select); coding-DNA position 1380, C replaced by T.
Protein change: p.Gly460=; no amino-acid change (glycine 460 retained).
Molecular consequence: synonymous variant.
Genome position (GRCh38, 1-based): chr6:156,779,060, C>T. VCF-style: chr6-156779060-C-T. GRCh37 (hg19) VCF-style: chr6-157100194-C-T.
Other names: c.1131C>T, p.Gly377= (NM_001346813.1, NM_020732.3); c.1380C>T, p.Gly460= (NM_001371656.1, NM_001374820.1, NM_017519.3); c.957C>T, p.Gly319= (NM_175863.2).
Identifiers: ClinVar variation 2663570 (VCV002663570.1), dbSNP rs2546839028, ClinGen allele CA452989331.